The following is an entry in ClinVar:

ClinVar aggregate classification (germline): Likely pathogenic. Review status: criteria provided, multiple submitters, no conflicts (2 of 4 stars). 2 submissions from 2 submitters: Likely pathogenic (2). Last evaluated 2024-01-28.

Conditions:
Hereditary spastic paraplegia 54. Also called: Spastic paraplegia 54, autosomal recessive. Identifiers: Orphanet 320380, MedGen C3539495, MONDO:0014018, OMIM 615033.

Allele frequency attached by ClinVar (database versions not stated): gnomAD exomes 0.00001; ExAC 0.00001.
gnomAD v4.1: 10 of 1,557,118 alleles (0.00064%); highest among the groups gnomAD compares: South Asian, 0.012%; no homozygotes.

Submissions (2):

Labcorp Genetics (formerly Invitae), Labcorp
Classification: Likely pathogenic for Hereditary spastic paraplegia 54. Last evaluated: 2024-01-28. Review status: criteria provided, single submitter. Criteria: Invitae Variant Classification Sherloc (09022015). Collection method: clinical testing. Allele origin: germline.
Comment: This sequence change affects a donor splice site in intron 10 of the DDHD2 gene. It is expected to disrupt RNA splicing. Variants that disrupt the donor or acceptor splice site typically lead to a loss of protein function (PMID: 16199547), and loss-of-function variants in DDHD2 are known to be pathogenic (PMID: 23176823, 23486545). This variant is present in population databases (rs753950471, gnomAD 0.009%). This variant has not been reported in the literature in individuals affected with DDHD2-related conditions. ClinVar contains an entry for this variant (Variation ID: 583003). Algorithms developed to predict the effect of sequence changes on RNA splicing suggest that this variant may disrupt the consensus splice site. In summary, the currently available evidence indicates that the variant is pathogenic, but additional data are needed to prove that conclusively. Therefore, this variant has been classified as Likely Pathogenic.

Department of Pathology and Laboratory Medicine, Sinai Health System
Classification: Likely pathogenic for Hereditary spastic paraplegia 54. Last evaluated: 2023-10-10. Review status: criteria provided, single submitter. Criteria: ACMG Guidelines, 2015. Collection method: research. Allele origin: germline.

Literature cited by the submitters: PubMed 16199547 (cited by Labcorp Genetics (formerly Invitae), Labcorp); PubMed 23176823 (cited by Labcorp Genetics (formerly Invitae), Labcorp); PubMed 23486545 (cited by Labcorp Genetics (formerly Invitae), Labcorp).

NM_015214.3(DDHD2):c.1248+2T>C

Gene: DDHD2 (DDHD domain containing 2; plus strand). Cytogenetic location: 8p11.23.
Variant type: single nucleotide variant.
Coding change: c.1248+2T>C on transcript NM_015214.3 (MANE Select); the canonical splice donor site of the intron after coding-DNA position 1248, T replaced by C.
Molecular consequence: splice donor variant.
Genome position (GRCh38, 1-based): chr8:38,247,837, T>C. VCF-style: chr8-38247837-T-C. GRCh37 (hg19) VCF-style: chr8-38105355-T-C.
Other names: c.1248+2T>C (NM_001362914.2, NM_001362912.2, NM_001362911.2 and 1 more transcripts); c.1158+2T>C (NM_001362913.2).
Identifiers: ClinVar variation 583003 (VCV000583003.7), dbSNP rs753950471, ClinGen allele CA4716188.